The following is an entry in ClinVar:

ClinVar aggregate classification (germline): Uncertain significance (1 of 4 stars; one submission).

Conditions:
Fanconi anemia (FA). Also called: Fanconi's anemia. Identifiers: Orphanet 84, MedGen C0015625, MeSH D005199, MONDO:0019391.

Allele frequency attached by ClinVar (database versions not stated): gnomAD 0.00001; TOPMed below 0.00001.
gnomAD v4.1: 3 of 1,613,802 alleles (0.00019%); highest among the groups gnomAD compares: Admixed American, 0.0017%; no homozygotes.

Submission:

Labcorp Genetics (formerly Invitae), Labcorp
Classification: Uncertain significance for Fanconi anemia. Last evaluated: 2020-04-18. Review status: criteria provided, single submitter. Criteria: Invitae Variant Classification Sherloc (09022015). Collection method: clinical testing. Allele origin: germline.
Comment: Algorithms developed to predict the effect of missense changes on protein structure and function output the following: SIFT: "Tolerated"; PolyPhen-2: "Benign"; Align-GVGD: "Class C0". The leucine amino acid residue is found in multiple mammalian species, suggesting that this missense change does not adversely affect protein function. These predictions have not been confirmed by published functional studies and their clinical significance is uncertain. In summary, the available evidence is currently insufficient to determine the role of this variant in disease. Therefore, it has been classified as a Variant of Uncertain Significance. This variant has not been reported in the literature in individuals with FANCF-related conditions. This variant is not present in population databases (ExAC no frequency). This sequence change replaces proline with leucine at codon 78 of the FANCF protein (p.Pro78Leu). The proline residue is weakly conserved and there is a moderate physicochemical difference between proline and leucine.

NM_022725.4(FANCF):c.233C>T (p.Pro78Leu)

Gene: FANCF (FA complementation group F; minus strand). Cytogenetic location: 11p14.3.
Variant type: single nucleotide variant.
Coding change: c.233C>T on transcript NM_022725.4 (MANE Select); coding-DNA position 233, C replaced by T.
Protein change: p.Pro78Leu; replaces proline 78 with leucine.
Molecular consequence: missense variant.
Genome position (GRCh38, 1-based): chr11:22,625,578, G>A on the plus strand (C>T on the coding strand, the complement: FANCF is on the minus strand). VCF-style: chr11-22625578-G-A. GRCh37 (hg19) VCF-style: chr11-22647124-G-A.
Other names: short protein forms P78L.
Identifiers: ClinVar variation 971542 (VCV000971542.9), dbSNP rs928361745, ClinGen allele CA219086653.